The following is an entry in ClinVar:

ClinVar aggregate classification (germline): Likely benign (0 of 4 stars; one submission).

Conditions:
BTN2A2-related disorder. Also called: BTN2A2-related condition.

Allele frequency attached by ClinVar (database versions not stated): gnomAD 0.00001; TOPMed 0.00003; gnomAD exomes 0.00005; ExAC 0.00012.
gnomAD v4.1: 77 of 1,614,012 alleles (0.0048%); highest among the groups gnomAD compares: Non-Finnish European, 0.0055%; no homozygotes.

Submission:

PreventionGenetics, part of Exact Sciences
Classification: Likely benign for BTN2A2-related condition. Last evaluated: 2019-11-21. Review status: no assertion criteria provided. Collection method: clinical testing. Allele origin: germline.
Comment: This variant is classified as likely benign based on ACMG/AMP sequence variant interpretation guidelines (Richards et al. 2015 PMID: 25741868, with internal and published modifications).

NM_006995.5(BTN2A2):c.780C>T (p.Thr260=)

Gene: BTN2A2 (butyrophilin subfamily 2 member A2; plus strand). Cytogenetic location: 6p22.2.
Variant type: single nucleotide variant.
Coding change: c.780C>T on transcript NM_006995.5 (MANE Select); coding-DNA position 780, C replaced by T.
Protein change: p.Thr260=; no amino-acid change (threonine 260 retained).
Molecular consequence: synonymous variant.
Genome position (GRCh38, 1-based): chr6:26,390,060, C>T. VCF-style: chr6-26390060-C-T. GRCh37 (hg19) VCF-style: chr6-26390288-C-T.
Other names: c.780C>T, p.Thr260= (NM_001197237.2, NM_001197238.2); c.150C>T, p.Thr50= (NM_001197239.2); c.498C>T, p.Thr166= (NM_001197240.2); c.432C>T, p.Thr144= (NM_181531.3).
Identifiers: ClinVar variation 3048777 (VCV003048777.2), dbSNP rs531803629, ClinGen allele CA3672490.